The following is an entry in ClinVar:

NM_002016.2(FLG):c.10878T>C (p.His3626=)

Genes: CCDST (cervical cancer associated DHX9 suppressive transcript; plus strand), FLG (filaggrin; minus strand). Cytogenetic location: 1q21.3.
Variant type: single nucleotide variant.
Coding change: c.10878T>C on transcript NM_002016.2 (MANE Select); coding-DNA position 10878, T replaced by C.
Protein change: p.His3626=; no amino-acid change (histidine 3626 retained).
Molecular consequence: synonymous variant.
Genome position (GRCh38, 1-based): chr1:152,304,008, A>G on the plus strand (T>C on the coding strand, the complement: FLG is on the minus strand). VCF-style: chr1-152304008-A-G. GRCh37 (hg19) VCF-style: chr1-152276484-A-G.
Identifiers: ClinVar variation 4533786 (VCV004533786.7).

ClinVar aggregate classification (germline): Likely benign. Review status: criteria provided, multiple submitters, no conflicts (2 of 4 stars). 2 submissions from 2 submitters: Likely benign (2). Last evaluated 2025-10-01.

Submissions (2):

CeGaT Center for Human Genetics Tuebingen
Classification: Likely benign. Last evaluated: 2025-10-01. Review status: criteria provided, single submitter. Criteria: CeGaT Center For Human Genetics Tuebingen Variant Classification Criteria Version 2. Collection method: clinical testing. Allele origin: germline. Affected: yes. Observed: 1 variant allele.
Comment: FLG: BP4, BP7

Blueprint Genetics
Classification: Likely benign. Last evaluated: 2024-09-19. Review status: criteria provided, single submitter. Criteria: ACMG Guidelines, 2015. Collection method: clinical testing. Allele origin: germline.